The following is an entry in ClinVar:

NM_001161352.2(KCNMA1):c.1787G>T (p.Gly596Val)

Gene: KCNMA1 (potassium calcium-activated channel subfamily M alpha 1; minus strand). Cytogenetic location: 10q22.3.
Variant type: single nucleotide variant.
Coding change: c.1787G>T on transcript NM_001161352.2 (MANE Select); coding-DNA position 1787, G replaced by T.
Protein change: p.Gly596Val; replaces glycine 596 with valine.
Molecular consequence: missense variant.
Genome position (GRCh38, 1-based): chr10:77,039,600, C>A on the plus strand (G>T on the coding strand, the complement: KCNMA1 is on the minus strand). VCF-style: chr10-77039600-C-A. GRCh37 (hg19) VCF-style: chr10-78799358-C-A.
Other names: c.1787G>T, p.Gly596Val (NM_001014797.3, NM_001161353.2, NM_001271519.2 and 8 more transcripts); c.1625G>T, p.Gly542Val (NM_001271518.2); c.1247G>T, p.Gly416Val (NM_001322838.2); short protein forms G416V, G542V, G596V.
Identifiers: ClinVar variation 3778376 (VCV003778376.7).

ClinVar aggregate classification (germline): Uncertain significance (1 of 4 stars; one submission).

Submission:

CeGaT Center for Human Genetics Tuebingen
Classification: Uncertain significance. Last evaluated: 2025-03-01. Review status: criteria provided, single submitter. Criteria: CeGaT Center For Human Genetics Tuebingen Variant Classification Criteria Version 2. Collection method: clinical testing. Allele origin: germline. Affected: yes. Observed: 1 variant allele.
Comment: KCNMA1: PM2, PP2, PP3